The following is an entry in ClinVar:

NM_001040716.2(PC):c.3127A>G (p.Lys1043Glu)

Gene: PC (pyruvate carboxylase; minus strand). Cytogenetic location: 11q13.2.
Variant type: single nucleotide variant.
Coding change: c.3127A>G on transcript NM_001040716.2 (MANE Select); coding-DNA position 3127, A replaced by G.
Protein change: p.Lys1043Glu; replaces lysine 1043 with glutamic acid.
Molecular consequence: missense variant.
Genome position (GRCh38, 1-based): chr11:66,849,631, T>C on the plus strand (A>G on the coding strand, the complement: PC is on the minus strand). VCF-style: chr11-66849631-T-C. GRCh37 (hg19) VCF-style: chr11-66617102-T-C.
Other names: c.3127A>G, p.Lys1043Glu (NM_000920.4, NM_022172.3); short protein forms K1043E.
Identifiers: ClinVar variation 1410996 (VCV001410996.8), dbSNP rs1470869408, ClinGen allele CA381490949.

ClinVar aggregate classification (germline): Uncertain significance (1 of 4 stars; one submission).

Conditions:
Pyruvate carboxylase deficiency. Also called: LEIGH NECROTIZING ENCEPHALOPATHY DUE TO PYRUVATE CARBOXYLASE DEFICIENCY; LEIGH SYNDROME DUE TO PYRUVATE CARBOXYLASE DEFICIENCY; PC DEFICIENCY; Pyruvate Carboxylase Deficiency Disease; ATAXIA WITH LACTIC ACIDOSIS II. Identifiers: Orphanet 3008, MedGen C0034341, MONDO:0009949, OMIM 266150.

Submission:

Labcorp Genetics (formerly Invitae), Labcorp
Classification: Uncertain significance for Pyruvate carboxylase deficiency. Last evaluated: 2021-08-09. Review status: criteria provided, single submitter. Criteria: Invitae Variant Classification Sherloc (09022015). Collection method: clinical testing. Allele origin: germline.
Comment: This variant is not present in population databases (ExAC no frequency). This sequence change replaces lysine with glutamic acid at codon 1043 of the PC protein (p.Lys1043Glu). The lysine residue is moderately conserved and there is a small physicochemical difference between lysine and glutamic acid. In summary, the available evidence is currently insufficient to determine the role of this variant in disease. Therefore, it has been classified as a Variant of Uncertain Significance. Algorithms developed to predict the effect of missense changes on protein structure and function (SIFT, PolyPhen-2, Align-GVGD) all suggest that this variant is likely to be tolerated, but these predictions have not been confirmed by published functional studies and their clinical significance is uncertain. This variant has not been reported in the literature in individuals with PC-related conditions.